The following is an entry in ClinVar:

NM_004385.5(VCAN):c.4004-350_4461del

Genes: VCAN (versican; plus strand), VCAN-AS1 (VCAN antisense RNA 1; minus strand). Cytogenetic location: 5q14.3.
Variant type: Deletion.
Coding change: c.4004-350_4461del on transcript NM_004385.5 (MANE Select); 350 bases into the intron before coding-DNA position 4004 through coding-DNA position 4461, 808 bases deleted.
Molecular consequence: splice acceptor variant. On other transcripts: intron variant (2).
Genome position (GRCh38, 1-based): chr5:83,536,657-83,537,464, 808 bases deleted. GRCh37 (hg19): chr5:82,832,476-82,833,283.
Other names: c.4004-8880_4004-8073del (NM_001164098.2); c.1043-350_1500del (NM_001164097.2); c.1043-8880_1043-8073del (NM_001126336.3).
Identifiers: ClinVar variation 2024338 (VCV002024338.4), dbSNP rs2479099937, ClinGen allele CA2580073654.

ClinVar aggregate classification (germline): Likely pathogenic (1 of 4 stars; one submission).

Submission:

Labcorp Genetics (formerly Invitae), Labcorp
Classification: Likely pathogenic. Last evaluated: 2023-05-15. Review status: criteria provided, single submitter. Criteria: Invitae Variant Classification Sherloc (09022015). Collection method: clinical testing. Allele origin: germline.
Comment: In summary, the currently available evidence indicates that the variant is pathogenic, but additional data are needed to prove that conclusively. Therefore, this variant has been classified as Likely Pathogenic. ClinVar contains an entry for this variant (Variation ID: 2024338). This variant has not been reported in the literature in individuals affected with VCAN-related conditions. This variant is not present in population databases (gnomAD no frequency). This variant results in the deletion of part of exon 8 (c.4004-350_4461del) of the VCAN gene. It is expected to disrupt RNA splicing. Variants that disrupt the donor or acceptor splice site typically lead to a loss of protein function (PMID: 16199547), and loss-of-function variants in VCAN are known to be pathogenic (PMID: 26720455).

Literature cited by the submitters: PubMed 16199547; PubMed 26720455.